The following is an entry in ClinVar:

NM_001374828.1(ARID1B):c.4831C>T (p.Pro1611Ser)

Gene: ARID1B (AT-rich interaction domain 1B; plus strand). Cytogenetic location: 6q25.3.
Variant type: single nucleotide variant.
Coding change: c.4831C>T on transcript NM_001374828.1 (MANE Select); coding-DNA position 4831, C replaced by T.
Protein change: p.Pro1611Ser; replaces proline 1611 with serine.
Molecular consequence: missense variant.
Genome position (GRCh38, 1-based): chr6:157,201,056, C>T. VCF-style: chr6-157201056-C-T. GRCh37 (hg19) VCF-style: chr6-157522190-C-T.
Other names: c.4462C>T (NM_020732.3); c.2332C>T, p.Pro778Ser (NM_001363725.2); c.4711C>T, p.Pro1571Ser (NM_001371656.1, NM_001374820.1); c.4672C>T, p.Pro1558Ser (NM_017519.3); short protein forms P1558S, P1571S, P1611S, P778S.
Identifiers: ClinVar variation 1290514 (VCV001290514.12), dbSNP rs765827636, ClinGen allele CA4067719.

ClinVar aggregate classification (germline): Benign/Likely benign. Review status: criteria provided, multiple submitters, no conflicts (2 of 4 stars). 5 submissions from 5 submitters: Benign (1); Likely benign (4). Last evaluated 2026-04-30.

Conditions:
Inborn genetic diseases. Identifiers: MedGen C0950123, MeSH D030342.
ARID1B-Related Disorder. Identifiers: MedGen CN381337.

Allele frequency attached by ClinVar (database versions not stated): gnomAD 0.00004; gnomAD exomes 0.00004 and 0.00008; ExAC 0.00006; TOPMed 0.00008.
gnomAD v4.1: 30 of 1,613,914 alleles (0.0019%); highest among the groups gnomAD compares: Admixed American, 0.05%; no homozygotes.

Submissions (5):

PreventionGenetics, part of Exact Sciences
Classification: Likely benign for ARID1B-related condition. Last evaluated: 2026-04-30. Review status: criteria provided, single submitter. Criteria: ACMG Guidelines, 2015. Collection method: clinical testing. Allele origin: germline.
Comment: This variant is classified as likely benign based on ACMG/AMP sequence variant interpretation guidelines (Richards et al. 2015 PMID: 25741868, with internal and published modifications).

Labcorp Genetics (formerly Invitae), Labcorp
Classification: Likely benign. Last evaluated: 2025-10-06. Review status: criteria provided, single submitter. Criteria: Invitae Variant Classification Sherloc (09022015). Collection method: clinical testing. Allele origin: germline.

Ambry Genetics
Classification: Likely benign for Inborn genetic diseases. Last evaluated: 2024-11-10. Review status: criteria provided, single submitter. Criteria: Ambry Variant Classification Scheme 2023. Collection method: clinical testing. Allele origin: germline.

GeneDx
Classification: Benign. Last evaluated: 2020-12-15. Review status: criteria provided, single submitter. Criteria: GeneDx Variant Classification Process June 2021. Collection method: clinical testing. Allele origin: germline. Affected: yes.

Genetic Services Laboratory, University of Chicago
Classification: Likely benign. Last evaluated: 2019-03-13. Review status: criteria provided, single submitter. Criteria: ACMG Guidelines, 2015. Collection method: clinical testing. Allele origin: germline. Affected: no.